The following is an entry in ClinVar:

ClinVar aggregate classification (germline): Uncertain significance. Review status: no assertion criteria provided (0 of 4 stars). 2 submissions from 1 submitter: Uncertain significance (1). 1 of the submissions does not count toward it. Last evaluated 2010-05-27.

Submissions (2):

ISCA site 4
Classification: Uncertain significance. Last evaluated: 2010-05-27. Review status: no assertion criteria provided. Collection method: clinical testing. Allele origin: unknown. Affected: yes. Observed: 3 variant alleles. Clinical features observed: Developmental delay AND/OR other significant developmental or morphological phenotypes, Complete atrioventricular canal defect (HP:0001674).

ISCA site 4
Classification: Uncertain significance. Last evaluated: 2011-08-12. Review status: flagged submission. Criteria: Kaminsky et al. (Genet Med. 2011). Collection method: clinical testing. Allele origin: paternal, maternal. Affected: yes. Observed: 2 variant alleles. Not counted in ClinVar's aggregate classification.
Comment: Copy number variation identified through the course of routine clinical cytogenomic testing in postnatal populations. Clinical assertions have been curated as described in Kaminsky et al. 2011.
ClinVar note: Reason: This record appears to be redundant with a more recent record from the same submitter.
ClinVar note: Notes: SCV000077644 appears to be redundant with SCV000173099.

GRCh38/hg38 21p11.2(chr21:7743711-7865746)x3

Genes: LOC102723451 (family with sequence similarity 243 member B; minus strand), LOC102723475 (potassium voltage-gated channel subfamily E regulatory subunit 1B; minus strand), LOC102723553 (small integral membrane protein 11B; plus strand), LOC107983987 (small integral membrane protein 34B; minus strand). Cytogenetic location: 21p11.2.
Variant type: copy number gain.
Change: copy number 3 (three copies instead of two) of chr21:7,743,711-7,865,746 (122.0 kb, GRCh38 coordinates, 1-based), cytogenetic band 21p11.2.
Identifiers: ClinVar variation 34363 (VCV000034363.3).